The following is an entry in ClinVar:

NM_020631.6(PLEKHG5):c.1542+1G>C

Gene: PLEKHG5 (pleckstrin homology and RhoGEF domain containing G5; minus strand). Cytogenetic location: 1p36.31.
Variant type: single nucleotide variant.
Coding change: c.1542+1G>C on transcript NM_020631.6 (MANE Select); the canonical splice donor site of the intron after coding-DNA position 1542, G replaced by C.
Molecular consequence: splice donor variant.
Genome position (GRCh38, 1-based): chr1:6,470,734, C>G on the plus strand (G>C on the coding strand, the complement: PLEKHG5 is on the minus strand). VCF-style: chr1-6470734-C-G. GRCh37 (hg19) VCF-style: chr1-6530794-C-G.
Other names: c.1542+1G>C (NM_198681.4, NM_001265594.3, NM_001042664.2 and 1 more transcripts); c.1653+1G>C (NM_001042663.3, NM_001265592.2); c.1749+1G>C (NM_001265593.2).
Identifiers: ClinVar variation 2942080 (VCV002942080.3), dbSNP rs1644545351, ClinGen allele CA338126223.

ClinVar aggregate classification (germline): Likely pathogenic (1 of 4 stars; one submission).

Conditions:
Neuronopathy, distal hereditary motor, autosomal recessive 4. Also called: Autosomal recessive lower motor neuron disease with childhood onset; NEUROPATHY, DISTAL HEREDITARY MOTOR, AUTOSOMAL RECESSIVE 4. Identifiers: Orphanet 206580, MedGen C1970211, MONDO:0012608, OMIM 611067.
Charcot-Marie-Tooth disease recessive intermediate C. Also called: CHARCOT-MARIE-TOOTH NEUROPATHY, RECESSIVE INTERMEDIATE C. Identifiers: Orphanet 369867, MedGen C3809309, MONDO:0014154, OMIM 615376.

Allele frequency attached by ClinVar (database versions not stated): TOPMed below 0.00001.

Submission:

Labcorp Genetics (formerly Invitae), Labcorp
Classification: Likely pathogenic for Neuronopathy, distal hereditary motor, autosomal recessive 4; Charcot-Marie-Tooth disease recessive intermediate C. Last evaluated: 2023-01-16. Review status: criteria provided, single submitter. Criteria: Invitae Variant Classification Sherloc (09022015). Collection method: clinical testing. Allele origin: germline.
Comment: This variant has not been reported in the literature in individuals affected with PLEKHG5-related conditions. In summary, the currently available evidence indicates that the variant is pathogenic, but additional data are needed to prove that conclusively. Therefore, this variant has been classified as Likely Pathogenic. Algorithms developed to predict the effect of sequence changes on RNA splicing suggest that this variant may disrupt the consensus splice site. This variant is not present in population databases (gnomAD no frequency). This sequence change affects a donor splice site in intron 14 of the PLEKHG5 gene. It is expected to disrupt RNA splicing. Variants that disrupt the donor or acceptor splice site typically lead to a loss of protein function (PMID: 16199547), and loss-of-function variants in PLEKHG5 are known to be pathogenic (PMID: 17564964, 23777631).

Literature cited by the submitters: PubMed 16199547; PubMed 17564964; PubMed 23777631.